The following is an entry in ClinVar:

NM_005732.4(RAD50):c.193A>C (p.Thr65Pro)

Gene: RAD50 (RAD50 double strand break repair protein; plus strand). Cytogenetic location: 5q31.1.
Variant type: single nucleotide variant.
Coding change: c.193A>C on transcript NM_005732.4 (MANE Select); coding-DNA position 193, A replaced by C.
Protein change: p.Thr65Pro; replaces threonine 65 with proline.
Molecular consequence: missense variant.
Genome position (GRCh38, 1-based): chr5:132,559,347, A>C. VCF-style: chr5-132559347-A-C. GRCh37 (hg19) VCF-style: chr5-131895039-A-C.
Other names: short protein forms T65P.
Identifiers: ClinVar variation 3429513 (VCV003429513.1).

ClinVar aggregate classification (germline): Uncertain significance (1 of 4 stars; one submission).

Conditions:
Hereditary cancer-predisposing syndrome. Also called: Neoplastic Syndromes, Hereditary; Tumor predisposition; Hereditary Cancer Syndrome; Hereditary neoplastic syndrome. Identifiers: Orphanet 140162, MedGen C0027672, MeSH D009386, MONDO:0015356.

Submission:

Ambry Genetics
Classification: Uncertain significance for Hereditary cancer-predisposing syndrome. Last evaluated: 2024-10-14. Review status: criteria provided, single submitter. Criteria: Ambry Variant Classification Scheme 2023. Collection method: clinical testing. Allele origin: germline.
Comment: The p.T65P variant (also known as c.193A>C), located in coding exon 2 of the RAD50 gene, results from an A to C substitution at nucleotide position 193. The threonine at codon 65 is replaced by proline, an amino acid with highly similar properties. This amino acid position is conserved. In addition, this alteration is predicted to be tolerated by in silico analysis. Based on the available evidence, the clinical significance of this variant remains unclear.